The following is an entry in ClinVar:

ClinVar aggregate classification (germline): Likely benign. Review status: criteria provided, multiple submitters, no conflicts (2 of 4 stars). 2 submissions from 2 submitters: Likely benign (2). Last evaluated 2025-09-19.

Conditions:
BBS1-related disorder. Also called: BBS1-related condition.
Bardet-Biedl syndrome (BBS). Identifiers: Orphanet 110, MedGen C0752166, MONDO:0015229.

Submissions (2):

PreventionGenetics, part of Exact Sciences
Classification: Likely benign for BBS1-related condition. Last evaluated: 2025-09-19. Review status: criteria provided, single submitter. Criteria: ACMG Guidelines, 2015. Collection method: clinical testing. Allele origin: germline.
Comment: This variant is classified as likely benign based on ACMG/AMP sequence variant interpretation guidelines (Richards et al. 2015 PMID: 25741868, with internal and published modifications).

Labcorp Genetics (formerly Invitae), Labcorp
Classification: Likely benign for Bardet-Biedl syndrome. Last evaluated: 2021-01-20. Review status: criteria provided, single submitter. Criteria: Invitae Variant Classification Sherloc (09022015). Collection method: clinical testing. Allele origin: germline.

NM_024649.5(BBS1):c.921C>G (p.Thr307=)

Genes: BBS1 (Bardet-Biedl syndrome 1; plus strand), ZDHHC24 (zDHHC palmitoyltransferase 24; minus strand). Cytogenetic location: 11q13.2.
Variant type: single nucleotide variant.
Coding change: c.921C>G on transcript NM_024649.5 (MANE Select); coding-DNA position 921, C replaced by G.
Protein change: p.Thr307=; no amino-acid change (threonine 307 retained).
Molecular consequence: synonymous variant. On other transcripts: intron variant (1).
Genome position (GRCh38, 1-based): chr11:66,523,546, C>G. VCF-style: chr11-66523546-C-G. GRCh37 (hg19) VCF-style: chr11-66291017-C-G.
Other names: c.*22-2080G>C (NM_001348571.2).
Identifiers: ClinVar variation 1647323 (VCV001647323.9), dbSNP rs2134795441, ClinGen allele CA475492036.